The following is an entry in ClinVar:

NM_000138.5(FBN1):c.3422C>T (p.Pro1141Leu)

Gene: FBN1 (fibrillin 1; minus strand). Cytogenetic location: 15q21.1.
Variant type: single nucleotide variant.
Coding change: c.3422C>T on transcript NM_000138.5 (MANE Select); coding-DNA position 3422, C replaced by T.
Protein change: p.Pro1141Leu; replaces proline 1141 with leucine.
Molecular consequence: missense variant.
Genome position (GRCh38, 1-based): chr15:48,487,353, G>A on the plus strand (C>T on the coding strand, the complement: FBN1 is on the minus strand). VCF-style: chr15-48487353-G-A. GRCh37 (hg19) VCF-style: chr15-48779550-G-A.
Other names: p.P1141L:CCG>CTG; NM_000138.5(FBN1):c.3422C>T; short protein forms P1141L.
Identifiers: ClinVar variation 42334 (VCV000042334.57), dbSNP rs2228241, ClinGen allele CA014098.
Genomic context (GRCh38, chr15:48,487,353, plus strand): 5'-TGAAAGTCTTTCTCCTTACCGATACACGCGGAGATGTTGGGGGACAGCTGATGGCCAGGC[G>A]GGCATTCACAGCGGTAACTTCCCTCTGTGTTATGGCAAACACCACCTCGGCATAGGAGAG-3'
Protein context (NP_000129.3, residues 1131-1151): NTEGSYRCEC[Pro1141Leu]PGHQLSPNIS

ClinVar aggregate classification (germline): Benign. Review status: reviewed by expert panel (3 of 4 stars). 19 submissions from 13 submitters: Benign (1). 18 of the submissions do not count toward it. Last evaluated 2022-12-01.

Conditions:
Geleophysic dysplasia. Identifiers: Orphanet 2623, MedGen C3489726, MONDO:0000127.
Weill-Marchesani syndrome. Also called: WM Syndrome; Mesodermal dysmorphodystrophy congenital. Identifiers: Orphanet 3449, MedGen C0265313, MONDO:0018096.
Familial thoracic aortic aneurysm and aortic dissection (TAAD). Also called: Thoracic aortic aneurysms and dissections. Identifiers: Orphanet 91387, MedGen C4707243, MONDO:0019625.
Marfan syndrome (MFS). Also called: Marfan syndrome, classic; FBN1-Related Marfan Syndrome; Marfan syndrome type 1; Marfan's syndrome; MARFAN SYNDROME, TYPE I. Identifiers: Orphanet 284963, Orphanet 558, MedGen C0024796, MONDO:0007947, OMIM 154700.
Acromicric dysplasia (ACMICD). Also called: Acromicric skeletal dysplasia. Identifiers: Orphanet 969, MedGen C0265287, MONDO:0007055, OMIM 102370.
Ectopia lentis 1, isolated, autosomal dominant (ECTOL1). Identifiers: Orphanet 1885, MedGen C3541518, MONDO:0007514, OMIM 129600.
Stiff skin syndrome (SSKS). Identifiers: Orphanet 2833, MedGen C1861456, MONDO:0008492, OMIM 184900.
Developmental cataract. Also called: Congenital cataract; Congenital cataracts; Bilateral cataracts. Identifiers: MedGen C0009691, HP:0000519.

Allele frequency attached by ClinVar (database versions not stated): ExAC 0.00072; gnomAD exomes 0.00090 and 0.00047; ESP Exome Variant Server 0.00108; gnomAD 0.00054 and 0.00057; 1000 Genomes Project 0.00040; TOPMed 0.00060; 1000 Genomes Project 30x 0.00031.
gnomAD v4.1: 829 of 1,614,194 alleles (0.051%); highest among the groups gnomAD compares: Admixed American, 0.017%; 4 homozygotes.

Submissions (19):

ClinGen FBN1 Variant Curation Expert Panel, ClinGen
Classification: Benign for Marfan syndrome. Last evaluated: 2022-12-01. Review status: reviewed by expert panel. Criteria: Assertion Criteria VCEP FBN1 Version 1. Collection method: curation. Allele origin: germline. Inheritance: Autosomal dominant inheritance.
Comment: NM_00138 c.3422C>T is a missense variant in FBN1 predicted to cause a substitution of a Proline by Leucine at amino acid 1141 (p.Pro1141Leu). This variant has been reported in the literature in at least 3 individuals in association with thoracic aortic aneurysm and dissection (TAAD), MASS syndrome, and features possibly consistent with Marfan syndrome (PMID: 10533071; PMID: 24740214; PMID: 26188975). This variant has been previously reported in ClinVar as benign, likely benign, and uncertain significance (Variation ID: 42334). This variant has been identified in 0.026% of individuals of European origin (BS1; version 2.1.1). Computational prediction tools and conservation analysis are unclear on the predicted impact on the protein. The constraint z-score for missense variants affecting FBN1 is 5.06, however due to the presence of two benign arguments PP2 cannot be used. In summary, this variant meets criteria to be classified as benign for Marfan syndrome based on the ACMG/AMP criteria applied, as specified by the ClinGen FBN1 VCEP: BS1, BS4

CeGaT Center for Human Genetics Tuebingen
Classification: Likely benign. Last evaluated: 2026-08-01. Review status: criteria provided, single submitter. Criteria: CeGaT Center For Human Genetics Tuebingen Variant Classification Criteria Version 2. Collection method: clinical testing. Allele origin: germline. Affected: yes. Observed: 38 variant alleles. Not counted in ClinVar's aggregate classification.
Comment: FBN1: BS1

Labcorp Genetics (formerly Invitae), Labcorp
Classification: Likely benign for Marfan syndrome; Familial thoracic aortic aneurysm and aortic dissection. Last evaluated: 2026-02-04. Review status: criteria provided, single submitter. Criteria: Invitae Variant Classification Sherloc (09022015). Collection method: clinical testing. Allele origin: germline. Not counted in ClinVar's aggregate classification.

Blueprint Genetics
Classification: Likely benign. Last evaluated: 2024-10-14. Review status: criteria provided, single submitter. Criteria: ACMG Guidelines, 2015. Collection method: clinical testing. Allele origin: germline. Not counted in ClinVar's aggregate classification.

GeneDx
Classification: Likely benign. Last evaluated: 2020-12-29. Review status: criteria provided, single submitter. Criteria: GeneDx Variant Classification Process June 2021. Collection method: clinical testing. Allele origin: germline. Affected: yes. Not counted in ClinVar's aggregate classification.
Comment: This variant is associated with the following publications: (PMID: 25812041, 26188975, 10533071, 24941995, 24740214, 27153395, 25203624)

CHEO Genetics Diagnostic Laboratory, Children's Hospital of Eastern Ontario
Classification: Benign for Familial thoracic aortic aneurysm and aortic dissection. Last evaluated: 2019-09-05. Review status: criteria provided, single submitter. Criteria: ACMG Guidelines, 2015. Collection method: clinical testing. Allele origin: germline. Study: Canadian Open Genetics Repository. Not counted in ClinVar's aggregate classification.

Illumina Laboratory Services, Illumina
Classification: Likely benign for Geleophysic dysplasia. Last evaluated: 2019-05-01. Review status: criteria provided, single submitter. Criteria: ICSL Variant Classification Criteria 13 December 2019. Collection method: clinical testing. Allele origin: germline. Not counted in ClinVar's aggregate classification.
Comment: This variant was observed as part of a predisposition screen in an ostensibly healthy population. A literature search was performed for the gene, cDNA change, and amino acid change (where applicable). No publications were found based on this search. Allele frequency data from public databases allowed determination this variant is unlikely to cause disease. Therefore, this variant is classified as likely benign.

Illumina Laboratory Services, Illumina
Classification: Likely benign for Marfan syndrome. Last evaluated: 2019-05-01. Review status: criteria provided, single submitter. Criteria: ICSL Variant Classification Criteria 13 December 2019. Collection method: clinical testing. Allele origin: germline. Not counted in ClinVar's aggregate classification.
Comment: the same text as in the submission from Illumina Laboratory Services, Illumina above.

Illumina Laboratory Services, Illumina
Classification: Likely benign for Familial thoracic aortic aneurysm and aortic dissection. Last evaluated: 2019-05-01. Review status: criteria provided, single submitter. Criteria: ICSL Variant Classification Criteria 13 December 2019. Collection method: clinical testing. Allele origin: germline. Not counted in ClinVar's aggregate classification.
Comment: the same text as in the submission from Illumina Laboratory Services, Illumina above.

Illumina Laboratory Services, Illumina
Classification: Likely benign for Stiff skin syndrome. Last evaluated: 2019-05-01. Review status: criteria provided, single submitter. Criteria: ICSL Variant Classification Criteria 13 December 2019. Collection method: clinical testing. Allele origin: germline. Not counted in ClinVar's aggregate classification.
Comment: the same text as in the submission from Illumina Laboratory Services, Illumina above.

Illumina Laboratory Services, Illumina
Classification: Likely benign for Weill-Marchesani syndrome. Last evaluated: 2019-05-01. Review status: criteria provided, single submitter. Criteria: ICSL Variant Classification Criteria 13 December 2019. Collection method: clinical testing. Allele origin: germline. Not counted in ClinVar's aggregate classification.
Comment: the same text as in the submission from Illumina Laboratory Services, Illumina above.

Illumina Laboratory Services, Illumina
Classification: Likely benign for Acromicric dysplasia. Last evaluated: 2019-05-01. Review status: criteria provided, single submitter. Criteria: ICSL Variant Classification Criteria 13 December 2019. Collection method: clinical testing. Allele origin: germline. Not counted in ClinVar's aggregate classification.
Comment: the same text as in the submission from Illumina Laboratory Services, Illumina above.

Illumina Laboratory Services, Illumina
Classification: Likely benign for Ectopia lentis 1, isolated, autosomal dominant. Last evaluated: 2019-05-01. Review status: criteria provided, single submitter. Criteria: ICSL Variant Classification Criteria 13 December 2019. Collection method: clinical testing. Allele origin: germline. Not counted in ClinVar's aggregate classification.
Comment: the same text as in the submission from Illumina Laboratory Services, Illumina above.

Laboratory for Molecular Medicine, Mass General Brigham Personalized Medicine
Classification: Benign. Last evaluated: 2019-01-02. Review status: criteria provided, single submitter. Criteria: LMM Criteria. Collection method: clinical testing. Allele origin: germline. Observed: 1 variant allele. Not counted in ClinVar's aggregate classification.
Comment: The p.Pro1141Leu variant in FBN1 is classified as benign because it has been ide ntified in 1.8% of Ashkenazi Jewish chromosomes by gnomAD. ACMG/AMP Criteria app lied: BA1.

Color Diagnostics, LLC DBA Color Health
Classification: Benign for Familial thoracic aortic aneurysm and aortic dissection. Last evaluated: 2018-05-11. Review status: criteria provided, single submitter. Criteria: ACMG Guidelines, 2015. Collection method: clinical testing. Allele origin: germline. Not counted in ClinVar's aggregate classification.

Center for Human Genetics, Inc
Classification: Likely benign for Marfan syndrome. Last evaluated: 2016-11-01. Review status: criteria provided, single submitter. Criteria: ACMG Guidelines, 2015. Collection method: clinical testing. Allele origin: germline. Affected: yes. Not counted in ClinVar's aggregate classification.

Ambry Genetics
Classification: Benign for Familial thoracic aortic aneurysm and aortic dissection. Last evaluated: 2016-10-24. Review status: criteria provided, single submitter. Criteria: Ambry Variant Classification Scheme 2023. Collection method: clinical testing. Allele origin: germline. Not counted in ClinVar's aggregate classification.

Dept. Genetics and Cancer, Menzies Institute for Medical Research, University of Tasmania
Classification: Uncertain significance for Developmental cataract. Last evaluated: 2021-05-01. Review status: no assertion criteria provided. Criteria: ACMG Guidelines, 2015. Collection method: research. Allele origin: germline. Affected: yes. Not counted in ClinVar's aggregate classification.
Comment: PP3. Multiple predictive tools assessing variant as damaging/pathogenic. BS1, BS2. Present in the population database more than expected for the disease. Variant is observed in unaffected individuals in the family.

Center for Medical Genetics Ghent, University of Ghent
Classification: Uncertain significance for Marfan syndrome. Last evaluated: 2017-11-07. Review status: no assertion criteria provided. Collection method: clinical testing. Allele origin: germline. Affected: yes. Not counted in ClinVar's aggregate classification.

Literature cited by the submitters: PubMed 10533071 (cited by Laboratory for Molecular Medicine, Mass General Brigham Personalized Medicine and Ambry Genetics); PubMed 24740214 (cited by Ambry Genetics); PubMed 25203624 (cited by Ambry Genetics).